The following is an entry in ClinVar:

ClinVar aggregate classification (germline): Pathogenic (1 of 4 stars; one submission).

Conditions:
Familial focal epilepsy with variable foci (FPEVF). Identifiers: Orphanet 98820, MedGen C1858477, MONDO:0020310.

Submission:

Labcorp Genetics (formerly Invitae), Labcorp
Classification: Pathogenic for Familial focal epilepsy with variable foci. Last evaluated: 2024-04-03. Review status: criteria provided, single submitter. Criteria: Invitae Variant Classification Sherloc (09022015). Collection method: clinical testing. Allele origin: germline.
Comment: This sequence change creates a premature translational stop signal (p.Glu1246Glyfs*12) in the DEPDC5 gene. It is expected to result in an absent or disrupted protein product. Loss-of-function variants in DEPDC5 are known to be pathogenic (PMID: 23542697, 23542701). This variant is not present in population databases (gnomAD no frequency). This variant has not been reported in the literature in individuals affected with DEPDC5-related conditions. For these reasons, this variant has been classified as Pathogenic.

Literature cited by the submitters: PubMed 23542697; PubMed 23542701.

NM_001242896.3(DEPDC5):c.3737_3746del (p.Glu1246fs)

Gene: DEPDC5 (DEP domain containing 5, GATOR1 subcomplex subunit; plus strand). Cytogenetic location: 22q12.3.
Variant type: Deletion.
Coding change: c.3737_3746del on transcript NM_001242896.3 (MANE Select); coding-DNA positions 3737 to 3746, 10 bases deleted (AAGCCTGGCG; older notation c.3737_3746delAAGCCTGGCG).
Protein change: p.Glu1246fs; shifts the reading frame from glutamic acid 1246.
Molecular consequence: frameshift variant. On other transcripts: non-coding transcript variant (2).
Genome position (GRCh38, 1-based): chr22:31,876,197-31,876,206, AAGCCTGGCG deleted; deleting any 10 consecutive bases within chr22:31,876,191-31,876,206 gives the same sequence; the c. name uses the placement nearest the transcript's 3' end. VCF-style (leftmost placement, unchanged base first): chr22-31876190-TCTGGCGAAGC-T. GRCh37 (hg19) VCF-style: chr22-32272176-TCTGGCGAAGC-T.
Other names: c.3710_3719del, p.Glu1237fs (NM_001136029.4); c.3437_3446del, p.Glu1146fs (NM_001242897.2); c.3671_3680del, p.Glu1224fs (NM_001363852.2, NM_001364320.2); c.3503_3512del, p.Glu1168fs (NM_001363854.2, NM_001364319.2); c.3737_3746del, p.Glu1246fs (NM_001364318.2); c.3653_3662del, p.Glu1218fs (NM_001369901.1, NM_001369902.1); c.3644_3653del, p.Glu1215fs (NM_001369903.1, NM_014662.6); short protein forms E1146fs, E1215fs, E1224fs, E1168fs, E1218fs, E1237fs, E1246fs.
Identifiers: ClinVar variation 3648620 (VCV003648620.2).